The following is an entry in ClinVar:

ClinVar aggregate classification (germline): Uncertain significance (1 of 4 stars; one submission).

Conditions:
Cystic fibrosis (CF). Also called: MUCOVISCIDOSIS. Identifiers: Orphanet 586, MedGen C0010674, MONDO:0009061, OMIM 219700. Disease mechanism: loss of function.

gnomAD v4.1: 1 of 1,613,778 alleles (0.000062%); highest among the groups gnomAD compares: South Asian, 0.0011%; no homozygotes.

Submission:

Ambry Genetics
Classification: Uncertain significance for Cystic fibrosis. Last evaluated: 2023-12-29. Review status: criteria provided, single submitter. Criteria: Ambry Variant Classification Scheme 2023. Collection method: clinical testing. Allele origin: germline.
Comment: The p.S118F variant (also known as c.353C>T), located in coding exon 4 of the CFTR gene, results from a C to T substitution at nucleotide position 353. The serine at codon 118 is replaced by phenylalanine, an amino acid with highly dissimilar properties. This amino acid position is conserved. In addition, this alteration is predicted to be deleterious by in silico analysis. Since supporting evidence is limited at this time, the clinical significance of this alteration remains unclear.

NM_000492.4(CFTR):c.353C>T (p.Ser118Phe)

Gene: CFTR (CF transmembrane conductance regulator; plus strand). Cytogenetic location: 7q31.2.
Variant type: single nucleotide variant.
Coding change: c.353C>T on transcript NM_000492.4 (MANE Select); coding-DNA position 353, C replaced by T.
Protein change: p.Ser118Phe; replaces serine 118 with phenylalanine.
Molecular consequence: missense variant.
Genome position (GRCh38, 1-based): chr7:117,530,978, C>T. VCF-style: chr7-117530978-C-T. GRCh37 (hg19) VCF-style: chr7-117171032-C-T.
Other names: short protein forms S118F.
Identifiers: ClinVar variation 3231890 (VCV003231890.1), dbSNP rs1334980869, ClinGen allele CA368974463.